The following is an entry in ClinVar:

NM_000057.4(BLM):c.3475_3476del (p.Leu1159fs)

Gene: BLM (BLM RecQ like helicase; plus strand). Cytogenetic location: 15q26.1.
Variant type: Deletion.
Coding change: c.3475_3476del on transcript NM_000057.4 (MANE Select); coding-DNA positions 3475 to 3476, 2 bases deleted (TT; older notation c.3475_3476delTT).
Protein change: p.Leu1159fs; shifts the reading frame from leucine 1159.
Molecular consequence: frameshift variant. On other transcripts: intron variant (1).
Genome position (GRCh38, 1-based): chr15:90,803,637-90,803,638, TT deleted. VCF-style (leftmost placement, unchanged base first): chr15-90803636-CTT-C. GRCh37 (hg19) VCF-style: chr15-91346866-CTT-C.
Other names: c.3475_3476del (LRG_20t1); c.3475_3476del, p.Leu1159fs (NM_001287246.2); c.2350_2351del, p.Leu784fs (NM_001287248.2); c.3358+5300_3358+5301del (NM_001287247.2); c.3475_3476delTT (NM_000057.3); short protein forms L1159fs, L784fs.
Identifiers: ClinVar variation 42084 (VCV000042084.18), dbSNP rs367543033, ClinGen allele CA344533.

ClinVar aggregate classification (germline): Pathogenic. Review status: criteria provided, multiple submitters, no conflicts (2 of 4 stars). 5 submissions from 5 submitters: Pathogenic (4). 1 of the submissions does not count toward it. Last evaluated 2025-11-28.

Conditions:
Hereditary cancer-predisposing syndrome. Also called: Hereditary neoplastic syndrome; Neoplastic Syndromes, Hereditary; Hereditary Cancer Syndrome; Tumor predisposition. Identifiers: Orphanet 140162, MedGen C0027672, MeSH D009386, MONDO:0015356.
Bloom syndrome (BLM). Also called: Bloom-Torre-Machacek syndrome. Identifiers: Orphanet 125, MedGen C0005859, MONDO:0008876, OMIM 210900.

Allele frequency attached by ClinVar (database versions not stated): gnomAD exomes below 0.00001; gnomAD 0.00001.

Submissions (5):

Labcorp Genetics (formerly Invitae), Labcorp
Classification: Pathogenic for Bloom syndrome. Last evaluated: 2025-11-28. Review status: criteria provided, single submitter. Criteria: Invitae Variant Classification Sherloc (09022015). Collection method: clinical testing. Allele origin: germline.
Comment: This sequence change creates a premature translational stop signal (p.Leu1159Ilefs*6) in the BLM gene. It is expected to result in an absent or disrupted protein product. Loss-of-function variants in BLM are known to be pathogenic (PMID: 17407155). This variant is present in population databases (rs367543033, gnomAD 0.0009%). This premature translational stop signal has been observed in individual(s) with Bloom syndrome (PMID: 17407155). ClinVar contains an entry for this variant (Variation ID: 42084). For these reasons, this variant has been classified as Pathogenic.

Myriad Genetics, Inc.
Classification: Pathogenic for Bloom syndrome. Last evaluated: 2025-06-19. Review status: criteria provided, single submitter. Criteria: Myriad Autosomal Dominant, Autosomal Recessive and X-Linked Classification Criteria (2023). Collection method: clinical testing. Allele origin: unknown.
Comment: NM_000057.3(BLM):c.3475_3476del(L1159Ifs*6) is a frameshift variant classified as pathogenic in the context of Bloom syndrome. L1159Ifs*6 has been observed in a case with relevant disease (PMID: 17407155). Relevant functional assessments of this variant are not available in the literature. L1159Ifs*6 has been observed in referenced population frequency databases. In summary, NM_000057.3(BLM):c.3475_3476del(L1159Ifs*6) is a frameshift variant in a gene where loss of function is a known mechanism of disease, is predicted to disrupt protein function, and has been observed more frequently in cases with the relevant disease than in healthy populations. Please note: this variant was assessed in the context of healthy population screening.

Women's Health and Genetics/Laboratory Corporation of America, LabCorp
Classification: Pathogenic for Bloom syndrome. Last evaluated: 2023-08-10. Review status: criteria provided, single submitter. Criteria: LabCorp Variant Classification Summary - May 2015. Collection method: clinical testing. Allele origin: germline.
Comment: Variant summary: BLM c.3475_3476delTT (p.Leu1159IlefsX6) results in a premature termination codon, predicted to cause a truncation of the encoded protein or absence of the protein due to nonsense mediated decay, which are commonly known mechanisms for disease. Variants downstream of this position have been classified as pathogenic in ClinVar. The variant allele was found at a frequency of 4e-06 in 251414 control chromosomes (gnomAD). c.3475_3476delTT has been reported in the literature in an individual affected with Bloom Syndrome (example: German_2007). The following publications have been ascertained in the context of this evaluation (PMID: 17407155, 26247052, 26358404). Three submitters have cited clinical-significance assessments for this variant to ClinVar after 2014. All submitters classified the variant as pathogenic/likely pathogenic. Based on the evidence outlined above, the variant was classified as pathogenic.

Ambry Genetics
Classification: Pathogenic for Hereditary cancer-predisposing syndrome. Last evaluated: 2021-04-27. Review status: criteria provided, single submitter. Criteria: Ambry Variant Classification Scheme 2023. Collection method: clinical testing. Allele origin: germline.
Comment: The c.3475_3476delTT pathogenic mutation, located in coding exon 17 of the BLM gene, results from a deletion of two nucleotides at nucleotide positions 3475 to 3476, causing a translational frameshift with a predicted alternate stop codon (p.L1159Ifs*6). This alteration was detected in conjunction with the BLM c.2098C>T (p.Gln700X) alteration in a patient diagnosed with Bloom syndrome (German J et al. Hum Mutat. 2007 Aug;28:743-53). In addition to the clinical data presented in the literature, this alteration is expected to result in loss of function by premature protein truncation or nonsense-mediated mRNA decay. As such, this alteration is interpreted as a disease-causing mutation.

Counsyl
Classification: Likely pathogenic for Bloom syndrome. Last evaluated: 2016-07-26. Review status: no assertion criteria provided. Collection method: clinical testing. Allele origin: unknown. Not counted in ClinVar's aggregate classification.

Literature cited by the submitters: PubMed 17407155 (cited by 5 submitters); PubMed 26247052 (cited by Women's Health and Genetics/Laboratory Corporation of America, LabCorp); PubMed 26358404 (cited by Women's Health and Genetics/Laboratory Corporation of America, LabCorp).